The following is an entry in ClinVar:

NM_000222.3(KIT):c.1696A>T (p.Asn566Tyr)

Gene: KIT (KIT proto-oncogene, receptor tyrosine kinase; plus strand). Cytogenetic location: 4q12.
Variant type: single nucleotide variant.
Coding change: c.1696A>T on transcript NM_000222.3 (MANE Select); coding-DNA position 1696, A replaced by T.
Protein change: p.Asn566Tyr; replaces asparagine 566 with tyrosine.
Molecular consequence: missense variant.
Genome position (GRCh38, 1-based): chr4:54,727,464, A>T. VCF-style: chr4-54727464-A-T. GRCh37 (hg19) VCF-style: chr4-55593630-A-T.
Other names: c.1687A>T, p.Asn563Tyr (NM_001385292.1, NM_001385288.1); c.1684A>T, p.Asn562Tyr (NM_001093772.2, NM_001385286.1); c.1699A>T, p.Asn567Tyr (NM_001385284.1, NM_001385290.1); c.1696A>T, p.Asn566Tyr (NM_001385285.1); short protein forms N562Y, N567Y, N563Y, N566Y.
Identifiers: ClinVar variation 3661743 (VCV003661743.2).

ClinVar aggregate classification (germline): Uncertain significance (1 of 4 stars; one submission).

Conditions:
Gastrointestinal stromal tumor. Also called: Gastrointestinal stromal tumor, somatic; Gastrointestinal stroma tumor. Identifiers: Orphanet 44890, MedGen C0238198, MeSH D046152, MONDO:0011719, OMIM 606764, HP:0100723.

Submission:

Labcorp Genetics (formerly Invitae), Labcorp
Classification: Uncertain significance for Gastrointestinal stromal tumor. Last evaluated: 2024-08-31. Review status: criteria provided, single submitter. Criteria: Invitae Variant Classification Sherloc (09022015). Collection method: clinical testing. Allele origin: germline.
Comment: This sequence change replaces asparagine, which is neutral and polar, with tyrosine, which is neutral and polar, at codon 566 of the KIT protein (p.Asn566Tyr). This variant is not present in population databases (gnomAD no frequency). This variant has not been reported in the literature in individuals affected with KIT-related conditions. An algorithm developed to predict the effect of missense changes on protein structure and function (PolyPhen-2) suggests that this variant is likely to be disruptive. In summary, the available evidence is currently insufficient to determine the role of this variant in disease. Therefore, it has been classified as a Variant of Uncertain Significance.